The following is an entry in ClinVar:

ClinVar aggregate classification (germline): Likely benign. Review status: criteria provided, multiple submitters, no conflicts (2 of 4 stars). 2 submissions from 2 submitters: Likely benign (2). Last evaluated 2026-03-01.

gnomAD v4.1: 237 of 1,548,360 alleles (0.015%); highest among the groups gnomAD compares: Non-Finnish European, 0.02%; no homozygotes.

Submissions (2):

CeGaT Center for Human Genetics Tuebingen
Classification: Likely benign. Last evaluated: 2026-03-01. Review status: criteria provided, single submitter. Criteria: CeGaT Center For Human Genetics Tuebingen Variant Classification Criteria Version 2. Collection method: clinical testing. Allele origin: germline. Affected: yes. Observed: 2 variant alleles.
Comment: FRMD5: PP3, BS2

Laboratory of Genetics, Children's Clinical University Hospital Latvia
Classification: Likely benign. Last evaluated: 2025-02-16. Review status: criteria provided, single submitter. Criteria: ACMG Guidelines, 2015. Collection method: clinical testing. Allele origin: germline. Affected: yes.

NM_032892.5(FRMD5):c.*732G>C

Gene: FRMD5 (FERM domain containing 5; minus strand). Cytogenetic location: 15q15.3.
Variant type: single nucleotide variant.
Coding change: c.*732G>C on transcript NM_032892.5 (MANE Select); 732 bases downstream of the stop codon, G replaced by C.
Molecular consequence: 3 prime UTR variant. On other transcripts: missense variant (1), non-coding transcript variant (1), intron variant (2).
Genome position (GRCh38, 1-based): chr15:43,873,153, C>G on the plus strand (G>C on the coding strand, the complement: FRMD5 is on the minus strand). VCF-style: chr15-43873153-C-G. GRCh37 (hg19) VCF-style: chr15-44165351-C-G.
Other names: c.*739G>C (NM_001286490.2, NM_001322950.2); c.*732G>C (NM_001286491.2); c.1549G>C, p.Val517Leu (NM_001411124.1); c.1426+18G>C (NM_001322951.2); c.1531+18G>C (NM_001322949.2); short protein forms V517L.
Identifiers: ClinVar variation 3911779 (VCV003911779.6).